The following is an entry in ClinVar:

NM_006579.3(EBP):c.13G>A (p.Ala5Thr)

Gene: EBP (EBP cholestenol delta-isomerase; plus strand). Cytogenetic location: Xp11.23.
Variant type: single nucleotide variant.
Coding change: c.13G>A on transcript NM_006579.3 (MANE Select); coding-DNA position 13, G replaced by A.
Protein change: p.Ala5Thr; replaces alanine 5 with threonine.
Molecular consequence: missense variant.
Genome position (GRCh38, 1-based): chrX:48,523,784, G>A. VCF-style: chrX-48523784-G-A. GRCh37 (hg19) VCF-style: chrX-48382172-G-A.
Other names: short protein forms A5T.
Identifiers: ClinVar variation 218685 (VCV000218685.36), dbSNP rs201992088, ClinGen allele CA249247.
Genomic context (GRCh38, chrX:48,523,784, plus strand): 5'-TTTTTTAACTTCCTGCCTATACACACGCAGCCATCAGCCCACAAAGACATGACTACCAAC[G>A]CGGGCCCCTTGCACCCATACTGGCCTCAGCACCTAAGACTGGACAACTTTGTACCTAATG-3'
Protein context (NP_006570.1, residues 1-15): MTTN[Ala5Thr]GPLHPYWPQH

ClinVar aggregate classification (germline): Benign/Likely benign. Review status: criteria provided, multiple submitters, no conflicts (2 of 4 stars). 8 submissions from 8 submitters: Benign (2); Likely benign (5). 1 of the submissions does not count toward it. Last evaluated 2025-12-30.

Conditions:
EBP-related disorder. Also called: EBP-related condition.
Chondrodysplasia punctata 2 X-linked dominant (CDPX2). Also called: EBP-Related X-Linked Chondrodysplasia Punctata; Hunermann-Conradi Syndrome; CONRADI-HUNERMANN-HAPPLE SYNDROME; HAPPLE SYNDROME. Identifiers: Orphanet 35173, MedGen C0282102, MONDO:0020603, OMIM 302960.
MEND syndrome (MEND). Also called: MALE EBP DISORDER WITH NEUROLOGIC DEFECTS. Identifiers: Orphanet 401973, MedGen C4085243, MONDO:0010498, OMIM 300960.
Inborn genetic diseases. Identifiers: MedGen C0950123, MeSH D030342.

Allele frequency attached by ClinVar (database versions not stated): ESP Exome Variant Server 0.00028; ExAC 0.00040; TOPMed 0.00022; gnomAD 0.00026 and 0.00027; gnomAD exomes 0.00027.
gnomAD v4.1: 495 of 1,188,544 alleles (0.042%); highest among the groups gnomAD compares: Non-Finnish European, 0.051%; no homozygotes.

Submissions (8):

Women's Health and Genetics/Laboratory Corporation of America, LabCorp
Classification: Likely benign. Last evaluated: 2025-12-30. Review status: criteria provided, single submitter. Criteria: LabCorp Variant Classification Summary - May 2015. Collection method: clinical testing. Allele origin: germline.
Comment: Variant summary: EBP c.13G>A (p.Ala5Thr) results in a non-conservative amino acid change in the encoded protein sequence. Algorithms developed to predict the effect of missense changes on protein structure and function are either unavailable or do not agree on the potential impact of this missense change. The variant allele was found at a frequency of 0.00027 in 170262 control chromosomes including 14 hemizygotes. To our knowledge, no occurrence of c.13G>A in individuals affected with EBP-related conditions and no experimental evidence demonstrating its impact on protein function have been reported. ClinVar contains an entry for this variant (Variation ID: 218685). Based on the evidence outlined above, the variant was classified as likely benign.

Labcorp Genetics (formerly Invitae), Labcorp
Classification: Benign. Last evaluated: 2025-08-08. Review status: criteria provided, single submitter. Criteria: Invitae Variant Classification Sherloc (09022015). Collection method: clinical testing. Allele origin: germline.

Blueprint Genetics
Classification: Likely benign. Last evaluated: 2024-07-25. Review status: criteria provided, single submitter. Criteria: ACMG Guidelines, 2015. Collection method: clinical testing. Allele origin: germline.

CeGaT Center for Human Genetics Tuebingen
Classification: Likely benign. Last evaluated: 2024-05-01. Review status: criteria provided, single submitter. Criteria: CeGaT Center For Human Genetics Tuebingen Variant Classification Criteria Version 2. Collection method: clinical testing. Allele origin: germline. Affected: yes. Observed: 2 variant alleles.
Comment: EBP: BS2; ENSG00000286268: BS2

Ambry Genetics
Classification: Likely benign for Inborn genetic diseases. Last evaluated: 2022-09-12. Review status: criteria provided, single submitter. Criteria: Ambry Variant Classification Scheme 2023. Collection method: clinical testing. Allele origin: germline.

Fulgent Genetics
Classification: Likely benign for MEND syndrome; Chondrodysplasia punctata 2 X-linked dominant. Last evaluated: 2021-09-24. Review status: criteria provided, single submitter. Criteria: ACMG Guidelines, 2015. Collection method: clinical testing. Allele origin: unknown.

Genomic Diagnostic Laboratory, Division of Genomic Diagnostics, Children's Hospital of Philadelphia
Classification: Benign. Last evaluated: 2015-07-22. Review status: criteria provided, single submitter. Criteria: DGD Variant Analysis Guidelines. Collection method: clinical testing. Allele origin: unknown.

PreventionGenetics, part of Exact Sciences
Classification: Likely benign for EBP-related condition. Last evaluated: 2022-12-21. Review status: no assertion criteria provided. Collection method: clinical testing. Allele origin: germline. Not counted in ClinVar's aggregate classification.
Comment: This variant is classified as likely benign based on ACMG/AMP sequence variant interpretation guidelines (Richards et al. 2015 PMID: 25741868, with internal and published modifications).